The following is an entry in ClinVar:

NM_198075.4(LRRC56):c.1411G>T (p.Asp471Tyr)

Gene: LRRC56 (leucine rich repeat containing 56; plus strand). Cytogenetic location: 11p15.5.
Variant type: single nucleotide variant.
Coding change: c.1411G>T on transcript NM_198075.4 (MANE Select); coding-DNA position 1411, G replaced by T.
Protein change: p.Asp471Tyr; replaces aspartic acid 471 with tyrosine.
Molecular consequence: missense variant.
Genome position (GRCh38, 1-based): chr11:554,058, G>T. VCF-style: chr11-554058-G-T. GRCh37 (hg19) VCF-style: chr11-554058-G-T.
Other names: short protein forms D471Y.
Identifiers: ClinVar variation 2851552 (VCV002851552.3), dbSNP rs2539946259, ClinGen allele CA378954453.
Genomic context (GRCh38, chr11:554,058, plus strand): 5'-TCACCTCCCAAGCACCCAAGGCCACGAGATTCTGGCAGCAGCTCCCCGCGGTGGTCGACA[G>T]ACCTGCAGTCCAGGGGGCGTCGGCTCCGAGTCCTGGGCAGCTGGGGGCCTGGCCTGGGTG-3'
Protein context (NP_932341.1, residues 461-481): SGSSSPRWST[Asp471Tyr]LQSRGRRLRV

ClinVar aggregate classification (germline): Uncertain significance (1 of 4 stars; one submission).

Submission:

Labcorp Genetics (formerly Invitae), Labcorp
Classification: Uncertain significance. Last evaluated: 2023-11-22. Review status: criteria provided, single submitter. Criteria: Invitae Variant Classification Sherloc (09022015). Collection method: clinical testing. Allele origin: germline.
Comment: This sequence change replaces aspartic acid, which is acidic and polar, with tyrosine, which is neutral and polar, at codon 471 of the LRRC56 protein (p.Asp471Tyr). This variant is not present in population databases (gnomAD no frequency). This variant has not been reported in the literature in individuals affected with LRRC56-related conditions. Advanced modeling of protein sequence and biophysical properties (such as structural, functional, and spatial information, amino acid conservation, physicochemical variation, residue mobility, and thermodynamic stability) has been performed at Invitae for this missense variant, however the output from this modeling did not meet the statistical confidence thresholds required to predict the impact of this variant on LRRC56 protein function. In summary, the available evidence is currently insufficient to determine the role of this variant in disease. Therefore, it has been classified as a Variant of Uncertain Significance.